The following is an entry in ClinVar:

ClinVar aggregate classification (germline): Uncertain significance (1 of 4 stars; one submission).

Conditions:
Hereditary spherocytosis type 2. Also called: SPHEROCYTOSIS, TYPE 2, AUTOSOMAL DOMINANT. Identifiers: Orphanet 822, MedGen C2674219, MONDO:0000913, OMIM 616649.

Allele frequency attached by ClinVar (database versions not stated): gnomAD exomes below 0.00001; TOPMed below 0.00001.

Submission:

Neuberg Centre For Genomic Medicine, NCGM
Classification: Uncertain significance for Hereditary spherocytosis type 2. Review status: criteria provided, single submitter. Criteria: ACMG Guidelines, 2015. Collection method: clinical testing. Allele origin: germline. Inheritance: Autosomal dominant inheritance. Affected: yes.
Comment: The missense c.865C>Tp.Arg289Cys variant in SPTB gene has not been reported previously as a pathogenic variant nor as a benign variant, to our knowledge. The p.Arg289Cys variant is novel not in any individuals in gnomAD Exomes and 1000 Genomes. This variant has not been reported to the ClinVar database. The amino acid change p.Arg289Cys in SPTB is predicted as conserved by GERP++ and PhyloP across 100 vertebrates. The amino acid Arg at position 289 is changed to a Cys changing protein sequence and it might alter its composition and physico-chemical properties. For these reasons, this variant has been classified as Variant of Uncertain Significance VUS.

NM_001355436.2(SPTB):c.865C>T (p.Arg289Cys)

Gene: SPTB (spectrin beta, erythrocytic; minus strand). Cytogenetic location: 14q23.3.
Variant type: single nucleotide variant.
Coding change: c.865C>T on transcript NM_001355436.2 (MANE Select); coding-DNA position 865, C replaced by T.
Protein change: p.Arg289Cys; replaces arginine 289 with cysteine.
Molecular consequence: missense variant.
Genome position (GRCh38, 1-based): chr14:64,800,767, G>A on the plus strand (C>T on the coding strand, the complement: SPTB is on the minus strand). VCF-style: chr14-64800767-G-A. GRCh37 (hg19) VCF-style: chr14-65267485-G-A.
Other names: c.865C>T, p.Arg289Cys (NM_001024858.4, NM_001355437.2); short protein forms R289C.
Identifiers: ClinVar variation 3235002 (VCV003235002.1), dbSNP rs1179544605, ClinGen allele CA390030348.